The following is an entry in ClinVar:

ClinVar aggregate classification (germline): Uncertain significance. Review status: criteria provided, multiple submitters, no conflicts (2 of 4 stars). 4 submissions from 4 submitters: Uncertain significance (3). 1 of the submissions does not count toward it. Last evaluated 2024-11-14.

Conditions:
Inborn genetic diseases. Identifiers: MedGen C0950123, MeSH D030342.
Usher syndrome type 1F (USH1F). Also called: USHER SYNDROME, TYPE IF. Identifiers: Orphanet 231169, Orphanet 886, MedGen C1865885, MONDO:0011186, OMIM 602083.

Allele frequency attached by ClinVar (database versions not stated): gnomAD exomes below 0.00001 and 0.00001; ExAC 0.00002; gnomAD 0.00003; ESP Exome Variant Server 0.00008; TOPMed 0.00009; 1000 Genomes Project 0.00020; 1000 Genomes Project 30x 0.00031.
gnomAD v4.1: 14 of 1,610,394 alleles (0.00087%); highest among the groups gnomAD compares: Admixed American, 0.015%; no homozygotes.

Submissions (4):

Ambry Genetics
Classification: Uncertain significance for Inborn genetic diseases. Last evaluated: 2024-11-14. Review status: criteria provided, single submitter. Criteria: Ambry Variant Classification Scheme 2023. Collection method: clinical testing. Allele origin: germline.

Labcorp Genetics (formerly Invitae), Labcorp
Classification: Uncertain significance. Last evaluated: 2022-07-27. Review status: criteria provided, single submitter. Criteria: Invitae Variant Classification Sherloc (09022015). Collection method: clinical testing. Allele origin: germline.
Comment: This sequence change replaces asparagine, which is neutral and polar, with serine, which is neutral and polar, at codon 662 of the PCDH15 protein (p.Asn662Ser). This variant is present in population databases (rs373731707, gnomAD 0.0008%). This variant has not been reported in the literature in individuals affected with PCDH15-related conditions. ClinVar contains an entry for this variant (Variation ID: 229136). Algorithms developed to predict the effect of missense changes on protein structure and function are either unavailable or do not agree on the potential impact of this missense change (SIFT: "Tolerated"; PolyPhen-2: "Possibly Damaging"; Align-GVGD: "Class C0"). In summary, the available evidence is currently insufficient to determine the role of this variant in disease. Therefore, it has been classified as a Variant of Uncertain Significance.

Laboratory for Molecular Medicine, Mass General Brigham Personalized Medicine
Classification: Uncertain significance. Last evaluated: 2015-01-06. Review status: criteria provided, single submitter. Criteria: LMM Criteria. Collection method: clinical testing. Allele origin: germline. Observed: 1 variant allele.
Comment: The p.Asn662Ser variant in PCDH15 has not been previously reported in individual s with hearing loss, but has been identified in 1/10286 of African chromosomes a nd in 1/67250 of European chromosomes by the Exome Aggregation Consortium (ExAC; dbSNP rs373731707). Although this variant has been seen in the general population, its frequency is not high enough to rule ou t a pathogenic role. Computational prediction tools and conservation analyses d o not provide strong support for or against an impact to the protein. In summary , the clinical significance of the Asn662Ser variant is uncertain.

Natera, Inc.
Classification: Uncertain significance for Usher syndrome type 1F. Last evaluated: 2020-07-15. Review status: no assertion criteria provided. Collection method: clinical testing. Allele origin: germline. Not counted in ClinVar's aggregate classification.

NM_001384140.1(PCDH15):c.1985A>G (p.Asn662Ser)

Gene: PCDH15 (protocadherin related 15; minus strand). Cytogenetic location: 10q21.1.
Variant type: single nucleotide variant.
Coding change: c.1985A>G on transcript NM_001384140.1 (MANE Select); coding-DNA position 1985, A replaced by G.
Protein change: p.Asn662Ser; replaces asparagine 662 with serine.
Molecular consequence: missense variant. On other transcripts: intron variant (1).
Genome position (GRCh38, 1-based): chr10:54,089,996, T>C on the plus strand (A>G on the coding strand, the complement: PCDH15 is on the minus strand). VCF-style: chr10-54089996-T-C. GRCh37 (hg19) VCF-style: chr10-55849756-T-C.
Other names: c.2000A>G, p.Asn667Ser (NM_001142763.2, NM_001142771.2); c.1985A>G, p.Asn662Ser (NM_001142764.2, NM_001142766.2, NM_001142770.3 and 5 more transcripts); c.1874A>G, p.Asn625Ser (NM_001142767.2); c.1919A>G, p.Asn640Ser (NM_001142768.2, NM_001142773.2, NM_001354404.2); c.2021A>G, p.Asn674Ser (NM_001142769.4); c.2006A>G, p.Asn669Ser (NM_001354411.2); c.1785-10572A>G (NM_001142765.2); short protein forms N662S, N625S, N640S, N669S, N667S, N674S.
Identifiers: ClinVar variation 229136 (VCV000229136.12), dbSNP rs373731707, ClinGen allele CA5506189.